The following is an entry in ClinVar:

ClinVar aggregate classification (germline): Likely pathogenic. Review status: criteria provided, multiple submitters, no conflicts (2 of 4 stars). 3 submissions from 3 submitters: Likely pathogenic (2). 1 of the submissions does not count toward it. Last evaluated 2026-08-05.

Conditions:
KRT5-related disorder. Also called: KRT5-related condition.

Submissions (3):

PreventionGenetics, part of Exact Sciences
Classification: Likely pathogenic for KRT5-related condition. Last evaluated: 2026-08-05. Review status: criteria provided, single submitter. Criteria: ACMG Guidelines, 2015. Collection method: clinical testing. Allele origin: germline.
Comment: The KRT5 c.506G>C variant is predicted to result in the amino acid substitution p.Arg169Pro. This variant has been reported to have occurred apparently de novo in a neonate with epidermolysis bullosa simplex (Muller et al. 2006. PubMed ID: 16786515). This variant has not been reported in a large population database, indicating it is rare. This variant is located in the 1A domain of KRT5, which is considered a hot spot for pathogenic variants (Kim et al. 2017. PMID: 28561874). For example, an alternate nucleotide change affecting the same amino acid (p.Arg169Gly) has been reported in the affected members of a family with localized epidermolysis bullosa simplex (Uchiyama et al. 2013. PubMed ID: 23588208; proband also reported in Minakawa et al. 2013. PubMed ID: 23993914). Taken together, the c.506G>C (p.Arg169Pro) variant is interpreted as likely pathogenic.

Labcorp Genetics (formerly Invitae), Labcorp
Classification: Likely pathogenic. Last evaluated: 2024-06-05. Review status: criteria provided, single submitter. Criteria: Invitae Variant Classification Sherloc (09022015). Collection method: clinical testing. Allele origin: germline.
Comment: This sequence change replaces arginine, which is basic and polar, with proline, which is neutral and non-polar, at codon 169 of the KRT5 protein (p.Arg169Pro). This variant is not present in population databases (gnomAD no frequency). This missense change has been observed in individual(s) with autosomal dominant epidermolysis bullosa simplex and/or Dowling-Degos disease 1 (PMID: 16786515; Invitae). In at least one individual the variant was observed to be de novo. ClinVar contains an entry for this variant (Variation ID: 66249). Advanced modeling of protein sequence and biophysical properties (such as structural, functional, and spatial information, amino acid conservation, physicochemical variation, residue mobility, and thermodynamic stability) has been performed at Invitae for this missense variant, however the output from this modeling did not meet the statistical confidence thresholds required to predict the impact of this variant on KRT5 protein function. This variant disrupts the p.Arg169 amino acid residue in KRT5. Other variant(s) that disrupt this residue have been observed in individuals with KRT5-related conditions (PMID: 16786515, 23588208), which suggests that this may be a clinically significant amino acid residue. In summary, the currently available evidence indicates that the variant is pathogenic, but additional data are needed to prove that conclusively. Therefore, this variant has been classified as Likely Pathogenic.

Epithelial Biology;  Institute of Medical Biology, Singapore
No classification provided. Review status: no classification provided. Collection method: not provided. Allele origin: not provided. Not counted in ClinVar's aggregate classification.

Literature cited by the submitters: PubMed 16786515 (cited by Labcorp Genetics (formerly Invitae), Labcorp); PubMed 23588208 (cited by Labcorp Genetics (formerly Invitae), Labcorp).

NM_000424.4(KRT5):c.506G>C (p.Arg169Pro)

Gene: KRT5 (keratin 5; minus strand). Cytogenetic location: 12q13.13.
Variant type: single nucleotide variant.
Coding change: c.506G>C on transcript NM_000424.4 (MANE Select); coding-DNA position 506, G replaced by C.
Protein change: p.Arg169Pro; replaces arginine 169 with proline.
Molecular consequence: missense variant.
Genome position (GRCh38, 1-based): chr12:52,519,791, C>G on the plus strand (G>C on the coding strand, the complement: KRT5 is on the minus strand). VCF-style: chr12-52519791-C-G. GRCh37 (hg19) VCF-style: chr12-52913575-C-G.
Other names: short protein forms R169P.
Identifiers: ClinVar variation 66249 (VCV000066249.5), dbSNP rs60720877, ClinGen allele CA216730.
Genomic context (GRCh38, chr12:52,519,791, plus strand): 5'-TCGTAGCTCACCTTGTCGATGAAGGAGGCAAACTTATTGTTGAGGGTCTTGATCTGCTCG[C>G]GCTCCTCGGTCCTCACCCTCTGGATGCTGGGGTCGATTTGCAGGTTGAGGGGAGTCAGGA-3'
Protein context (NP_000415.2, residues 159-179): PSIQRVRTEE[Arg169Pro]EQIKTLNNKF